The following is an entry in ClinVar:

NM_001048174.2(MUTYH):c.534G>T (p.Glu178Asp)

Gene: MUTYH (mutY DNA glycosylase; minus strand). Cytogenetic location: 1p34.1.
Variant type: single nucleotide variant.
Coding change: c.534G>T on transcript NM_001048174.2 (MANE Select); coding-DNA position 534, G replaced by T.
Protein change: p.Glu178Asp; replaces glutamic acid 178 with aspartic acid.
Molecular consequence: missense variant. On other transcripts: non-coding transcript variant (7).
Genome position (GRCh38, 1-based): chr1:45,332,646, C>A on the plus strand (G>T on the coding strand, the complement: MUTYH is on the minus strand). VCF-style: chr1-45332646-C-A. GRCh37 (hg19) VCF-style: chr1-45798318-C-A.
Other names: c.537G>T, p.Glu179Asp (NM_001048172.2, NM_001407071.1, NM_001407078.1 and 1 more transcripts); c.534G>T, p.Glu178Asp (NM_001048173.2, NM_001293195.2, NM_001048171.2 and 6 more transcripts); c.618G>T, p.Glu206Asp (NM_001128425.2); c.579G>T, p.Glu193Asp (NM_001293190.2); c.567G>T, p.Glu189Asp (NM_001293191.2, NM_001407069.1, NM_001407077.1); c.258G>T, p.Glu86Asp (NM_001293192.2, NM_001293196.2, NM_001407091.1); c.189G>T, p.Glu63Asp (NM_001350650.2, NM_001350651.2, NM_001407082.1); c.450G>T, p.Glu150Asp (NM_001407075.1); and 5 more; short protein forms E178D, E150D, E179D, E189D, E192D, E193D, E164D, E165D.
Identifiers: ClinVar variation 4112834 (VCV004112834.1).

ClinVar aggregate classification (germline): Uncertain significance (1 of 4 stars; one submission).

Conditions:
Hereditary cancer-predisposing syndrome. Also called: Tumor predisposition; Neoplastic Syndromes, Hereditary; Hereditary neoplastic syndrome; Hereditary Cancer Syndrome. Identifiers: Orphanet 140162, MedGen C0027672, MeSH D009386, MONDO:0015356.

Submission:

Ambry Genetics
Classification: Uncertain significance for Hereditary cancer-predisposing syndrome. Last evaluated: 2025-08-27. Review status: criteria provided, single submitter. Criteria: Ambry Variant Classification Scheme 2023. Collection method: clinical testing. Allele origin: germline.
Comment: The p.E206D variant (also known as c.618G>T), located in coding exon 8 of the MUTYH gene, results from a G to T substitution at nucleotide position 618. The glutamic acid at codon 206 is replaced by aspartic acid, an amino acid with highly similar properties. This amino acid position is conserved. In addition, this alteration is predicted to be tolerated by in silico analysis. Based on the available evidence, the clinical significance of this variant remains unclear.